The following is an entry in ClinVar:

NM_017714.3(TASP1):c.459C>T (p.Gly153=)

Gene: TASP1 (taspase 1; minus strand). Cytogenetic location: 20p12.1.
Variant type: single nucleotide variant.
Coding change: c.459C>T on transcript NM_017714.3 (MANE Select); coding-DNA position 459, C replaced by T.
Protein change: p.Gly153=; no amino-acid change (glycine 153 retained).
Molecular consequence: synonymous variant. On other transcripts: non-coding transcript variant (4), intron variant (1).
Genome position (GRCh38, 1-based): chr20:13,580,926, G>A on the plus strand (C>T on the coding strand, the complement: TASP1 is on the minus strand). VCF-style: chr20-13580926-G-A. GRCh37 (hg19) VCF-style: chr20-13561573-G-A.
Other names: c.153C>T, p.Gly51= (NM_001323603.2, NM_001323604.2); c.282+42520C>T (NM_001323602.2).
Identifiers: ClinVar variation 3256682 (VCV003256682.1).
Genomic context (GRCh38, chr20:13,580,926, plus strand): 5'-CAGGGAAAGTCAGGAAGAACAAAGTGGTTACCAGGGAGGAATTCTGCCAGCCGAGAGCTT[G>A]CCCTTCTGCCCTTCACATAAGAGTCTGTTGGCAACCGAGACTGGGTTCTTGATTCCTATA-3'
Protein context (NP_060184.2, residues 143-163): ANRLLCEGQK[Gly153=]KLSAGRIPPC

ClinVar aggregate classification (germline): Uncertain significance (1 of 4 stars; one submission).

Conditions:
Suleiman-El-Hattab syndrome. Identifiers: MedGen C5436458, MONDO:0033532, OMIM 618950.

Submission:

MVZ Medizinische Genetik Mainz
Classification: Uncertain significance for Suleiman-El-Hattab syndrome. Last evaluated: 2024-04-26. Review status: criteria provided, single submitter. Criteria: UK Practice Guidelines For Variant Classification V4 01 2020. Collection method: clinical testing. Allele origin: germline. Inheritance: Autosomal recessive inheritance. Affected: yes. Observed: 2 variant alleles.
Comment: ACMG Criteria: PM2_SUP,PP3,PP4